The following is an entry in ClinVar:

ClinVar aggregate classification (germline): Conflicting classifications of pathogenicity. Review status: criteria provided, conflicting classifications (1 of 4 stars). 3 submissions from 3 submitters: Uncertain significance (2); Likely benign (1). Last evaluated 2024-03-25.

Conditions:
Inborn genetic diseases. Identifiers: MedGen C0950123, MeSH D030342.

Allele frequency attached by ClinVar (database versions not stated): 1000 Genomes Project 0.00020; 1000 Genomes Project 30x 0.00031.
gnomAD v4.1: 12 of 1,613,486 alleles (0.00074%); highest among the groups gnomAD compares: African/African-American, 0.012%; no homozygotes.

Submissions (3):

Ambry Genetics
Classification: Uncertain significance for Inborn genetic diseases. Last evaluated: 2024-03-25. Review status: criteria provided, single submitter. Criteria: Ambry Variant Classification Scheme 2023. Collection method: clinical testing. Allele origin: germline.

Labcorp Genetics (formerly Invitae), Labcorp
Classification: Likely benign. Last evaluated: 2024-01-28. Review status: criteria provided, single submitter. Criteria: Invitae Variant Classification Sherloc (09022015). Collection method: clinical testing. Allele origin: germline.

Women's Health and Genetics/Laboratory Corporation of America, LabCorp
Classification: Uncertain significance. Last evaluated: 2023-02-15. Review status: criteria provided, single submitter. Criteria: LabCorp Variant Classification Summary - May 2015. Collection method: clinical testing. Allele origin: germline.
Comment: Variant summary: COL7A1 c.2333G>C (p.Arg778Pro) results in a non-conservative amino acid change located in the fibronectin type III domain (IPR003961) of the encoded protein sequence. Four of five in-silico tools predict a benign effect of the variant on protein function. The variant allele was found at a frequency of 8e-06 in 250976 control chromosomes (gnomAD). The available data on variant occurrences in the general population are insufficient to allow any conclusion about variant significance. To our knowledge, no occurrence of c.2333G>C in individuals affected with Dystrophic Epidermolysis Bullosa and no experimental evidence demonstrating its impact on protein function have been reported. One clinical diagnostic laboratory has submitted a clinical-significance assessment for this variant to ClinVar after 2014 without evidence for independent evaluation and classified the variant as likely benign. Based on the evidence outlined above, the variant was classified as uncertain significance.

NM_000094.4(COL7A1):c.2333G>C (p.Arg778Pro)

Gene: COL7A1 (collagen type VII alpha 1 chain; minus strand). Cytogenetic location: 3p21.31.
Variant type: single nucleotide variant.
Coding change: c.2333G>C on transcript NM_000094.4 (MANE Select); coding-DNA position 2333, G replaced by C.
Protein change: p.Arg778Pro; replaces arginine 778 with proline.
Molecular consequence: missense variant.
Genome position (GRCh38, 1-based): chr3:48,588,977, C>G on the plus strand (G>C on the coding strand, the complement: COL7A1 is on the minus strand). VCF-style: chr3-48588977-C-G. GRCh37 (hg19) VCF-style: chr3-48626410-C-G.
Other names: short protein forms R778P.
Identifiers: ClinVar variation 2161628 (VCV002161628.6), dbSNP rs377140103, ClinGen allele CA2380916.